The following is an entry in ClinVar:

NM_014140.4(SMARCAL1):c.841A>G (p.Met281Val)

Gene: SMARCAL1 (SNF2 related chromatin remodeling annealing helicase 1; plus strand). Cytogenetic location: 2q35.
Variant type: single nucleotide variant.
Coding change: c.841A>G on transcript NM_014140.4 (MANE Select); coding-DNA position 841, A replaced by G.
Protein change: p.Met281Val; replaces methionine 281 with valine.
Molecular consequence: missense variant.
Genome position (GRCh38, 1-based): chr2:216,416,286, A>G. VCF-style: chr2-216416286-A-G. GRCh37 (hg19) VCF-style: chr2-217281009-A-G.
Other names: c.841A>G, p.Met281Val (NM_001127207.2); short protein forms M281V.
Identifiers: ClinVar variation 1004135 (VCV001004135.6), dbSNP rs1382103008, ClinGen allele CA350498183.

ClinVar aggregate classification (germline): Uncertain significance (1 of 4 stars; one submission).

Conditions:
Schimke immuno-osseous dysplasia (SIOD). Also called: Schimke Immunoosseous Dysplasia. Identifiers: Orphanet 1830, MedGen C0877024, MONDO:0009458, OMIM 242900.

Allele frequency attached by ClinVar (database versions not stated): gnomAD exomes below 0.00001; TOPMed 0.00001.

Submission:

Labcorp Genetics (formerly Invitae), Labcorp
Classification: Uncertain significance for Schimke immuno-osseous dysplasia. Last evaluated: 2024-02-17. Review status: criteria provided, single submitter. Criteria: Invitae Variant Classification Sherloc (09022015). Collection method: clinical testing. Allele origin: germline.
Comment: This sequence change replaces methionine, which is neutral and non-polar, with valine, which is neutral and non-polar, at codon 281 of the SMARCAL1 protein (p.Met281Val). This variant is present in population databases (no rsID available, gnomAD 0.007%). This variant has not been reported in the literature in individuals affected with SMARCAL1-related conditions. ClinVar contains an entry for this variant (Variation ID: 1004135). Advanced modeling of protein sequence and biophysical properties (such as structural, functional, and spatial information, amino acid conservation, physicochemical variation, residue mobility, and thermodynamic stability) performed at Invitae indicates that this missense variant is not expected to disrupt SMARCAL1 protein function with a negative predictive value of 80%. In summary, the available evidence is currently insufficient to determine the role of this variant in disease. Therefore, it has been classified as a Variant of Uncertain Significance.